The following is an entry in ClinVar:

NM_003500.4(ACOX2):c.516C>T (p.Asp172=)

Gene: ACOX2 (acyl-CoA oxidase 2; minus strand). Cytogenetic location: 3p14.3.
Variant type: single nucleotide variant.
Coding change: c.516C>T on transcript NM_003500.4 (MANE Select); coding-DNA position 516, C replaced by T.
Protein change: p.Asp172=; no amino-acid change (aspartic acid 172 retained).
Molecular consequence: synonymous variant.
Genome position (GRCh38, 1-based): chr3:58,533,512, G>A on the plus strand (C>T on the coding strand, the complement: ACOX2 is on the minus strand). VCF-style: chr3-58533512-G-A. GRCh37 (hg19) VCF-style: chr3-58519239-G-A.
Other names: c.516C>T (NM_003500.3).
Identifiers: ClinVar variation 2067681 (VCV002067681.6), dbSNP rs771975232, ClinGen allele CA2472374.

ClinVar aggregate classification (germline): Likely benign. Review status: criteria provided, single submitter (1 of 4 stars). 2 submissions from 2 submitters: Likely benign (1). 1 of the submissions does not count toward it. Last evaluated 2024-02-24.

Conditions:
ACOX2-related disorder. Also called: ACOX2-related condition.

Allele frequency attached by ClinVar (database versions not stated): ExAC 0.00004; gnomAD exomes 0.00011; TOPMed 0.00012; gnomAD 0.00015.
gnomAD v4.1: 173 of 1,613,860 alleles (0.011%); highest among the groups gnomAD compares: Non-Finnish European, 0.014%; no homozygotes.

Submissions (2):

Labcorp Genetics (formerly Invitae), Labcorp
Classification: Likely benign. Last evaluated: 2024-02-24. Review status: criteria provided, single submitter. Criteria: Invitae Variant Classification Sherloc (09022015). Collection method: clinical testing. Allele origin: germline.

PreventionGenetics, part of Exact Sciences
Classification: Likely benign for ACOX2-related condition. Last evaluated: 2019-09-19. Review status: no assertion criteria provided. Collection method: clinical testing. Allele origin: germline. Not counted in ClinVar's aggregate classification.
Comment: This variant is classified as likely benign based on ACMG/AMP sequence variant interpretation guidelines (Richards et al. 2015 PMID: 25741868, with internal and published modifications).